The following is an entry in ClinVar:

ClinVar aggregate classification (germline): Uncertain significance (1 of 4 stars; one submission).

Conditions:
Cardiovascular phenotype. Identifiers: MedGen CN230736.

gnomAD v4.1: 1 of 1,613,968 alleles (0.000062%); highest among the groups gnomAD compares: Non-Finnish European, 0.000085%; no homozygotes.

Submission:

Ambry Genetics
Classification: Uncertain significance for Cardiovascular phenotype. Last evaluated: 2025-08-28. Review status: criteria provided, single submitter. Criteria: Ambry Variant Classification Scheme 2023. Collection method: clinical testing. Allele origin: germline.
Comment: The p.S273N variant (also known as c.818G>A), located in coding exon 6 of the BRAF gene, results from a G to A substitution at nucleotide position 818. The serine at codon 273 is replaced by asparagine, an amino acid with highly similar properties. This amino acid position is highly conserved in available vertebrate species. In addition, the in silico prediction for this alteration is inconclusive. Based on the available evidence, the clinical significance of this variant remains unclear.

NM_004333.6(BRAF):c.818G>A (p.Ser273Asn)

Gene: BRAF (B-Raf proto-oncogene, serine/threonine kinase; minus strand). Cytogenetic location: 7q34.
Variant type: single nucleotide variant.
Coding change: c.818G>A on transcript NM_004333.6 (MANE Select); coding-DNA position 818, G replaced by A.
Protein change: p.Ser273Asn; replaces serine 273 with asparagine.
Molecular consequence: missense variant.
Genome position (GRCh38, 1-based): chr7:140,801,454, C>T on the plus strand (G>A on the coding strand, the complement: BRAF is on the minus strand). VCF-style: chr7-140801454-C-T. GRCh37 (hg19) VCF-style: chr7-140501254-C-T.
Other names: c.716G>A, p.Ser239Asn (NM_001378470.1); c.818G>A, p.Ser273Asn (NM_001378471.1, NM_001378474.1, NM_001354609.2 and 4 more transcripts); c.662G>A, p.Ser221Asn (NM_001378472.1, NM_001378473.1); c.554G>A, p.Ser185Asn (NM_001378475.1); c.827G>A, p.Ser276Asn (NM_001378467.1); short protein forms S185N, S221N, S239N, S273N, S276N.
Identifiers: ClinVar variation 4215017 (VCV004215017.1).